The following is an entry in ClinVar:

ClinVar aggregate classification (germline): Uncertain significance (1 of 4 stars; one submission).

Submission:

Labcorp Genetics (formerly Invitae), Labcorp
Classification: Uncertain significance. Last evaluated: 2025-04-03. Review status: criteria provided, single submitter. Criteria: Invitae Variant Classification Sherloc (09022015). Collection method: clinical testing. Allele origin: germline.
Comment: This sequence change replaces arginine, which is basic and polar, with threonine, which is neutral and polar, at codon 1750 of the IGSF10 protein (p.Arg1750Thr). This variant is not present in population databases (gnomAD no frequency). This variant has not been reported in the literature in individuals affected with IGSF10-related conditions. An algorithm developed to predict the effect of missense changes on protein structure and function (PolyPhen-2) suggests that this variant is likely to be tolerated. In summary, the available evidence is currently insufficient to determine the role of this variant in disease. Therefore, it has been classified as a Variant of Uncertain Significance.

NM_178822.5(IGSF10):c.5249G>C (p.Arg1750Thr)

Gene: IGSF10 (immunoglobulin superfamily member 10; minus strand). Cytogenetic location: 3q25.1.
Variant type: single nucleotide variant.
Coding change: c.5249G>C on transcript NM_178822.5 (MANE Select); coding-DNA position 5249, G replaced by C.
Protein change: p.Arg1750Thr; replaces arginine 1750 with threonine.
Molecular consequence: missense variant.
Genome position (GRCh38, 1-based): chr3:151,443,698, C>G on the plus strand (G>C on the coding strand, the complement: IGSF10 is on the minus strand). VCF-style: chr3-151443698-C-G. GRCh37 (hg19) VCF-style: chr3-151161486-C-G.
Other names: c.5249G>C, p.Arg1750Thr (NM_001385060.1, NM_001385061.1, NM_001385062.1 and 1 more transcripts); short protein forms R1750T.
Identifiers: ClinVar variation 4777297 (VCV004777297.1).